The following is an entry in ClinVar:

NM_001289125.3(IFNAR2):c.1305TGA[1] (p.Asp437del)

Genes: IFNAR2 (interferon alpha and beta receptor subunit 2; plus strand), IFNAR2-IL10RB (IFNAR2-IL10RB readthrough; plus strand). Cytogenetic location: 21q22.11.
Variant type: Microsatellite.
Coding change: c.1305TGA[1] on transcript NM_001289125.3 (MANE Select); one copy of the 3-base unit TGA starting at c.1305; the reference has two copies in a row; one copy, 3 bases deleted.
Protein change: p.Asp437del; deletes aspartic acid 437.
Molecular consequence: inframe deletion. On other transcripts: 3 prime UTR variant (5).
Genome position (GRCh38, 1-based): chr21:33,263,260-33,263,262, TGA deleted; deleting any 3 consecutive bases within chr21:33,263,257-33,263,262 gives the same sequence; the position shown is the placement nearest the transcript's 3' end. VCF-style (leftmost placement, unchanged base first): chr21-33263256-TTGA-T. GRCh37 (hg19) VCF-style: chr21-34635561-TTGA-T.
Other names: c.*541TGA[1] (NM_000874.5, NM_207584.3); c.*454TGA[1] (NM_001289126.2, NM_001289128.2); c.*680TGA[1] (NM_001385054.1); c.1305TGA[1], p.Asp437del (NM_001385055.1, NM_207585.3); short protein forms D437del.
Identifiers: ClinVar variation 1491098 (VCV001491098.8), dbSNP rs2123543594, ClinGen allele CA2580616373.
Genomic context (GRCh38, chr21:33,263,256, plus strand): 5'-AGGGGTCTGGGGGCAGAATTACCTTCAATGTGGACTTAAACTCTGTGTTTTTGAGAGTTC[TTGA>T]TGACGAGGACAGTGACGACTTAGAAGCCCCTCTGATGCTATCGTCTCATCTGGAAGAGAT-3'

ClinVar aggregate classification (germline): Uncertain significance (1 of 4 stars; one submission).

Submission:

Labcorp Genetics (formerly Invitae), Labcorp
Classification: Uncertain significance. Last evaluated: 2020-12-04. Review status: criteria provided, single submitter. Criteria: Invitae Variant Classification Sherloc (09022015). Collection method: clinical testing. Allele origin: germline.
Comment: This variant, c.1308_1310del, results in the deletion of 1 amino acid(s) of the IFNAR2 protein (p.Asp437del), but otherwise preserves the integrity of the reading frame. This variant is not present in population databases (ExAC no frequency). This variant has not been reported in the literature in individuals with IFNAR2-related conditions. Experimental studies and prediction algorithms are not available or were not evaluated, and the functional significance of this variant is currently unknown. In summary, the available evidence is currently insufficient to determine the role of this variant in disease. Therefore, it has been classified as a Variant of Uncertain Significance.